The following is an entry in ClinVar:

ClinVar aggregate classification (germline): Uncertain significance. Review status: criteria provided, multiple submitters, no conflicts (2 of 4 stars). 2 submissions from 2 submitters: Uncertain significance (2). Last evaluated 2024-10-09.

Allele frequency attached by ClinVar (database versions not stated): ExAC 0.00002; gnomAD 0.00003; gnomAD exomes 0.00003; TOPMed 0.00003; ESP Exome Variant Server 0.00008.
gnomAD v4.1: 46 of 1,614,064 alleles (0.0028%); highest among the groups gnomAD compares: Non-Finnish European, 0.0036%; no homozygotes.

Submissions (2):

Blueprint Genetics
Classification: Uncertain significance. Last evaluated: 2024-10-09. Review status: criteria provided, single submitter. Criteria: ACMG Guidelines, 2015. Collection method: clinical testing. Allele origin: germline.

Labcorp Genetics (formerly Invitae), Labcorp
Classification: Uncertain significance. Last evaluated: 2022-06-24. Review status: criteria provided, single submitter. Criteria: Invitae Variant Classification Sherloc (09022015). Collection method: clinical testing. Allele origin: germline.
Comment: This sequence change replaces phenylalanine, which is neutral and non-polar, with leucine, which is neutral and non-polar, at codon 156 of the DGUOK protein (p.Phe156Leu). This variant is present in population databases (rs369870836, gnomAD 0.003%). This variant has not been reported in the literature in individuals affected with DGUOK-related conditions. Algorithms developed to predict the effect of missense changes on protein structure and function are either unavailable or do not agree on the potential impact of this missense change (SIFT: "Tolerated"; PolyPhen-2: "Probably Damaging"; Align-GVGD: "Class C0"). In summary, the available evidence is currently insufficient to determine the role of this variant in disease. Therefore, it has been classified as a Variant of Uncertain Significance.

NM_080916.3(DGUOK):c.466T>C (p.Phe156Leu)

Gene: DGUOK (deoxyguanosine kinase; plus strand). Cytogenetic location: 2p13.1.
Variant type: single nucleotide variant.
Coding change: c.466T>C on transcript NM_080916.3 (MANE Select); coding-DNA position 466, T replaced by C.
Protein change: p.Phe156Leu; replaces phenylalanine 156 with leucine.
Molecular consequence: missense variant. On other transcripts: non-coding transcript variant (1), intron variant (2).
Genome position (GRCh38, 1-based): chr2:73,950,607, T>C. VCF-style: chr2-73950607-T-C. GRCh37 (hg19) VCF-style: chr2-74177734-T-C.
Other names: c.175T>C, p.Phe59Leu (NM_001318860.2, NM_001318861.2); c.157T>C, p.Phe53Leu (NM_001318862.2, NM_001318863.2); c.443+3701T>C (NM_080918.3); c.425+3719T>C (NM_001318859.2); short protein forms F156L, F53L, F59L.
Identifiers: ClinVar variation 2414439 (VCV002414439.4), dbSNP rs369870836, ClinGen allele CA1718266.